The following is an entry in ClinVar:

ClinVar aggregate classification (germline): Uncertain significance (1 of 4 stars; one submission).

Conditions:
Oligodontia-cancer predisposition syndrome. Also called: TOOTH AGENESIS-COLORECTAL CANCER SYNDROME. Identifiers: Orphanet 300576, MedGen C1837750, MONDO:0012075, OMIM 608615. Disease mechanism: loss of function.

gnomAD v4.1: 1 of 1,605,308 alleles (0.000062%); highest among the groups gnomAD compares: Non-Finnish European, 0.000085%; no homozygotes.

Submission:

Labcorp Genetics (formerly Invitae), Labcorp
Classification: Uncertain significance for Oligodontia-cancer predisposition syndrome. Last evaluated: 2025-12-08. Review status: criteria provided, single submitter. Criteria: Invitae Variant Classification Sherloc (09022015). Collection method: clinical testing. Allele origin: germline.
Comment: This sequence change replaces serine, which is neutral and polar, with asparagine, which is neutral and polar, at codon 576 of the AXIN2 protein (p.Ser576Asn). The frequency data for this variant in the population databases is considered unreliable, as metrics indicate poor data quality at this position in the gnomAD database. This variant has not been reported in the literature in individuals affected with AXIN2-related conditions. Invitae Evidence Modeling of protein sequence and biophysical properties (such as structural, functional, and spatial information, amino acid conservation, physicochemical variation, residue mobility, and thermodynamic stability) indicates that this missense variant is not expected to disrupt AXIN2 protein function with a negative predictive value of 80%. In summary, the available evidence is currently insufficient to determine the role of this variant in disease. Therefore, it has been classified as a Variant of Uncertain Significance.

NM_004655.4(AXIN2):c.1727G>A (p.Ser576Asn)

Gene: AXIN2 (axin 2; minus strand). Cytogenetic location: 17q24.1.
Variant type: single nucleotide variant.
Coding change: c.1727G>A on transcript NM_004655.4 (MANE Select); coding-DNA position 1727, G replaced by A.
Protein change: p.Ser576Asn; replaces serine 576 with asparagine.
Molecular consequence: missense variant. On other transcripts: intron variant (1).
Genome position (GRCh38, 1-based): chr17:65,537,049, C>T on the plus strand (G>A on the coding strand, the complement: AXIN2 is on the minus strand). VCF-style: chr17-65537049-C-T. GRCh37 (hg19) VCF-style: chr17-63533167-C-T.
Other names: c.1712+275G>A (NM_001363813.1); short protein forms S576N.
Identifiers: ClinVar variation 4740410 (VCV004740410.1).